The following is an entry in ClinVar:

ClinVar aggregate classification (germline): Uncertain significance. Review status: criteria provided, multiple submitters, no conflicts (2 of 4 stars). 2 submissions from 2 submitters: Uncertain significance (2). Last evaluated 2025-11-19.

Conditions:
Inborn genetic diseases. Identifiers: MedGen C0950123, MeSH D030342.
Autosomal recessive severe congenital neutropenia due to G6PC3 deficiency. Also called: NEUTROPENIA, SEVERE CONGENITAL, 4, AUTOSOMAL RECESSIVE; G6PC3 Deficiency. Identifiers: Orphanet 331176, MedGen C2751630, MONDO:0012930, OMIM 612541.

gnomAD v4.1: 1 of 1,614,168 alleles (0.000062%); highest among the groups gnomAD compares: Middle Eastern, 0.016%; no homozygotes.

Submissions (2):

Labcorp Genetics (formerly Invitae), Labcorp
Classification: Uncertain significance for Autosomal recessive severe congenital neutropenia due to G6PC3 deficiency. Last evaluated: 2025-11-19. Review status: criteria provided, single submitter. Criteria: Invitae Variant Classification Sherloc (09022015). Collection method: clinical testing. Allele origin: germline.
Comment: This sequence change replaces proline, which is neutral and non-polar, with serine, which is neutral and polar, at codon 188 of the G6PC3 protein (p.Pro188Ser). This variant is not present in population databases (gnomAD no frequency). This variant has not been reported in the literature in individuals affected with G6PC3-related conditions. ClinVar contains an entry for this variant (Variation ID: 3852355). Invitae Evidence Modeling of protein sequence and biophysical properties (such as structural, functional, and spatial information, amino acid conservation, physicochemical variation, residue mobility, and thermodynamic stability) indicates that this missense variant is not expected to disrupt G6PC3 protein function with a negative predictive value of 95%. In summary, the available evidence is currently insufficient to determine the role of this variant in disease. Therefore, it has been classified as a Variant of Uncertain Significance.

Ambry Genetics
Classification: Uncertain significance for Inborn genetic diseases. Last evaluated: 2025-01-26. Review status: criteria provided, single submitter. Criteria: Ambry Variant Classification Scheme 2023. Collection method: clinical testing. Allele origin: germline.
Comment: The p.P188S variant (also known as c.562C>T), located in coding exon 5 of the G6PC3 gene, results from a C to T substitution at nucleotide position 562. The proline at codon 188 is replaced by serine, an amino acid with similar properties. This amino acid position is conserved. In addition, this alteration is predicted to be tolerated by in silico analysis. Based on the available evidence, the clinical significance of this variant remains unclear.

NM_138387.4(G6PC3):c.562C>T (p.Pro188Ser)

Gene: G6PC3 (glucose-6-phosphatase catalytic subunit 3; plus strand). Cytogenetic location: 17q21.31.
Variant type: single nucleotide variant.
Coding change: c.562C>T on transcript NM_138387.4 (MANE Select); coding-DNA position 562, C replaced by T.
Protein change: p.Pro188Ser; replaces proline 188 with serine.
Molecular consequence: missense variant.
Genome position (GRCh38, 1-based): chr17:44,075,336, C>T. VCF-style: chr17-44075336-C-T. GRCh37 (hg19) VCF-style: chr17-42152704-C-T.
Other names: c.443C>T, p.Ser148Phe (NM_001319945.2); c.217C>T, p.Pro73Ser (NM_001384165.1, NM_001384166.1, NM_001384167.1 and 1 more transcripts); short protein forms P73S, S148F, P188S.
Identifiers: ClinVar variation 3852355 (VCV003852355.2).
Genomic context (GRCh38, chr17:44,075,336, plus strand): 5'-ACTCCTTGAAGCTGTTGTCACTCCACTCTCCTAGGCGCTGTCCTGGGCTGGCTGATGACT[C>T]CCCGAGTGCCTATGGAGCGGGAGCTAAGCTTCTATGGGTTGACTGCACTGGCCCTCATGC-3'
Protein context (NP_612396.1, residues 178-198): TGAVLGWLMT[Pro188Ser]RVPMERELSF